The following is an entry in ClinVar:

NM_000535.7(PMS2):c.1849C>T (p.Pro617Ser)

Gene: PMS2 (PMS1 homolog 2, mismatch repair system component; minus strand). Cytogenetic location: 7p22.1.
Variant type: single nucleotide variant.
Coding change: c.1849C>T on transcript NM_000535.7 (MANE Select); coding-DNA position 1849, C replaced by T.
Protein change: p.Pro617Ser; replaces proline 617 with serine.
Molecular consequence: missense variant. On other transcripts: non-coding transcript variant (1).
Genome position (GRCh38, 1-based): chr7:5,986,916, G>A on the plus strand (C>T on the coding strand, the complement: PMS2 is on the minus strand). VCF-style: chr7-5986916-G-A. GRCh37 (hg19) VCF-style: chr7-6026547-G-A.
Other names: c.1444C>T, p.Pro482Ser (NM_001322003.2, NM_001322004.2, NM_001322005.2 and 1 more transcripts); c.1693C>T, p.Pro565Ser (NM_001322006.2); c.1531C>T, p.Pro511Ser (NM_001322007.2, NM_001322008.2); c.1288C>T, p.Pro430Ser (NM_001322010.2); c.916C>T, p.Pro306Ser (NM_001322011.2, NM_001322012.2); c.1276C>T, p.Pro426Ser (NM_001322013.2); c.1849C>T, p.Pro617Ser (NM_001322014.2); c.1540C>T, p.Pro514Ser (NM_001322015.2); short protein forms P617S, P306S, P482S, P511S, P426S, P514S, P565S, P430S.
Identifiers: ClinVar variation 219450 (VCV000219450.25), dbSNP rs864622096, ClinGen allele CA348389.

ClinVar aggregate classification (germline): Conflicting classifications of pathogenicity. Review status: criteria provided, conflicting classifications (1 of 4 stars). 7 submissions from 7 submitters: Uncertain significance (6); Likely benign (1). Last evaluated 2026-01-16.

Conditions:
Lynch syndrome. Identifiers: Orphanet 144, MedGen C4552100, MONDO:0005835. Disease mechanism: loss of function.
Hereditary nonpolyposis colorectal neoplasms. Identifiers: MedGen C0009405, MeSH D003123.
Lynch syndrome 4 (LYNCH4). Also called: Colorectal cancer, hereditary nonpolyposis, type 4; Hereditary non-polyposis colorectal cancer, type 4. Identifiers: Orphanet 144, MedGen C1838333, MONDO:0013699, OMIM 614337. Disease mechanism: loss of function.
Hereditary cancer-predisposing syndrome. Also called: Tumor predisposition; Neoplastic Syndromes, Hereditary; Hereditary Cancer Syndrome; Hereditary neoplastic syndrome. Identifiers: Orphanet 140162, MedGen C0027672, MeSH D009386, MONDO:0015356.

Allele frequency attached by ClinVar (database versions not stated): gnomAD exomes below 0.00001; TOPMed below 0.00001.
gnomAD v4.1: 1 of 1,614,098 alleles (0.000062%); highest among the groups gnomAD compares: Non-Finnish European, 0.000085%; no homozygotes.

Submissions (7):

Labcorp Genetics (formerly Invitae), Labcorp
Classification: Likely benign for Hereditary nonpolyposis colorectal neoplasms. Last evaluated: 2026-01-16. Review status: criteria provided, single submitter. Criteria: Invitae Variant Classification Sherloc (09022015). Collection method: clinical testing. Allele origin: germline.

Color Diagnostics, LLC DBA Color Health
Classification: Uncertain significance for Hereditary cancer-predisposing syndrome. Last evaluated: 2025-12-17. Review status: criteria provided, single submitter. Criteria: ACMG Guidelines, 2015. Collection method: clinical testing. Allele origin: germline.
Comment: This missense variant replaces proline with serine at codon 617 of the PMS2 protein. Computational prediction suggests that this variant may not impact protein structure and function. To our knowledge, functional studies have not been reported for this variant. This variant has not been reported in individuals affected with PMS2-related disorders in the literature. This variant has been identified in 1/1614098 chromosomes in the general population by the Genome Aggregation Database (gnomAD). The available evidence is insufficient to determine the role of this variant in disease conclusively. Therefore, this variant is classified as a Variant of Uncertain Significance.

All of Us Research Program, National Institutes of Health
Classification: Uncertain significance for Lynch syndrome. Last evaluated: 2024-08-13. Review status: criteria provided, single submitter. Criteria: ACMG Guidelines, 2015. Collection method: clinical testing. Allele origin: germline. Inheritance: Autosomal dominant inheritance. Observed: 1 variant allele, 1 heterozygote.
Comment: This missense variant replaces proline with serine at codon 617 of the PMS2 protein. Computational prediction suggests that this variant may not impact protein structure and function (internally defined REVEL score threshold <= 0.5, PMID: 27666373). To our knowledge, functional studies have not been reported for this variant. In a large breast cancer case-control study, this variant has been observed in 2/60466 cases and 4/53461 unaffected controls (PMID: 33471991). This variant has not been identified in the general population by the Genome Aggregation Database (gnomAD). The available evidence is insufficient to determine the role of this variant in disease conclusively. Therefore, this variant is classified as a Variant of Uncertain Significance.

This study involves interpretation of variants in research participants for the purpose of population health screening. Participant phenotype was not available at the time of variant classification. Additional details can be found in publication PMID: 35346344, PMCID: PMC8962531

Blueprint Genetics
Classification: Uncertain significance. Last evaluated: 2024-02-28. Review status: criteria provided, single submitter. Criteria: ACMG Guidelines, 2015. Collection method: clinical testing. Allele origin: germline.

Ambry Genetics
Classification: Uncertain significance for Hereditary cancer-predisposing syndrome. Last evaluated: 2023-09-14. Review status: criteria provided, single submitter. Criteria: Ambry Variant Classification Scheme 2023. Collection method: clinical testing. Allele origin: germline.
Comment: The p.P617S variant (also known as c.1849C>T), located in coding exon 11 of the PMS2 gene, results from a C to T substitution at nucleotide position 1849. The proline at codon 617 is replaced by serine, an amino acid with similar properties. This amino acid position is not well conserved in available vertebrate species. In addition, this alteration is predicted to be tolerated by in silico analysis. Since supporting evidence is limited at this time, the clinical significance of this alteration remains unclear.

Baylor Genetics
Classification: Uncertain significance for Lynch syndrome 4. Last evaluated: 2023-05-14. Review status: criteria provided, single submitter. Criteria: ACMG Guidelines, 2015. Collection method: clinical testing. Allele origin: unknown.

GeneDx
Classification: Uncertain significance. Last evaluated: 2019-10-07. Review status: criteria provided, single submitter. Criteria: GeneDx Variant Classification Process June 2021. Collection method: clinical testing. Allele origin: germline. Affected: yes.
Comment: Not observed in large population cohorts (Lek 2016); In silico analysis, which includes protein predictors and evolutionary conservation, supports that this variant does not alter protein structure/function; Has not been previously published as pathogenic or benign to our knowledge

Literature cited by the submitters: PubMed 33471991 (cited by All of Us Research Program, National Institutes of Health and Ambry Genetics).